The following is an entry in ClinVar:

ClinVar aggregate classification (germline): Uncertain significance (1 of 4 stars; one submission).

Submission:

Ambry Genetics
Classification: Uncertain significance. Last evaluated: 2022-11-24. Review status: criteria provided, single submitter. Criteria: Ambry Variant Classification Scheme 2023. Collection method: clinical testing. Allele origin: germline.
Comment: The p.P1577R variant (also known as c.4730C>G), located in coding exon 16 of the POLQ gene, results from a C to G substitution at nucleotide position 4730. The proline at codon 1577 is replaced by arginine, an amino acid with dissimilar properties. This amino acid position is conserved. In addition, this alteration is predicted to be tolerated by in silico analysis. Since supporting evidence is limited at this time, the clinical significance of this alteration remains unclear.

NM_199420.4(POLQ):c.4730C>G (p.Pro1577Arg)

Gene: POLQ (DNA polymerase theta; minus strand). Cytogenetic location: 3q13.33.
Variant type: single nucleotide variant.
Coding change: c.4730C>G on transcript NM_199420.4 (MANE Select); coding-DNA position 4730, C replaced by G.
Protein change: p.Pro1577Arg; replaces proline 1577 with arginine.
Molecular consequence: missense variant.
Genome position (GRCh38, 1-based): chr3:121,488,201, G>C on the plus strand (C>G on the coding strand, the complement: POLQ is on the minus strand). VCF-style: chr3-121488201-G-C. GRCh37 (hg19) VCF-style: chr3-121207048-G-C.
Other names: short protein forms P1577R.
Identifiers: ClinVar variation 2448917 (VCV002448917.2), dbSNP rs2546785595, ClinGen allele CA354094030.